The following is an entry in ClinVar:

ClinVar aggregate classification (germline): Uncertain significance. Review status: criteria provided, multiple submitters, no conflicts (2 of 4 stars). 2 submissions from 2 submitters: Uncertain significance (2). Last evaluated 2022-05-17.

Conditions:
Cardiovascular phenotype. Identifiers: MedGen CN230736.
Hereditary cancer-predisposing syndrome. Also called: Neoplastic Syndromes, Hereditary; Tumor predisposition; Hereditary neoplastic syndrome; Hereditary Cancer Syndrome. Identifiers: Orphanet 140162, MedGen C0027672, MeSH D009386, MONDO:0015356.
Neurofibromatosis, type 1 (NF1). Also called: VON RECKLINGHAUSEN DISEASE; NEUROFIBROMATOSIS, TYPE I, SOMATIC; Peripheral type neurofibromatosis; Neurofibromatosis, type I. Identifiers: Orphanet 636, MedGen C0027831, MONDO:0018975, OMIM 162200. Disease mechanism: loss of function.

Submissions (2):

Ambry Genetics
Classification: Uncertain significance for Cardiovascular phenotype; Hereditary cancer-predisposing syndrome. Last evaluated: 2022-05-17. Review status: criteria provided, single submitter. Criteria: Ambry Variant Classification Scheme 2023. Collection method: clinical testing. Allele origin: germline.
Comment: The p.C2195R variant (also known as c.6583T>C), located in coding exon 43 of the NF1 gene, results from a T to C substitution at nucleotide position 6583. The cysteine at codon 2195 is replaced by arginine, an amino acid with highly dissimilar properties. This amino acid position is conserved. In addition, this alteration is predicted to be deleterious by in silico analysis. Since supporting evidence is limited at this time, the clinical significance of this alteration remains unclear.

Labcorp Genetics (formerly Invitae), Labcorp
Classification: Uncertain significance for Neurofibromatosis, type 1. Last evaluated: 2017-12-23. Review status: criteria provided, single submitter. Criteria: Invitae Variant Classification Sherloc (09022015). Collection method: clinical testing. Allele origin: germline.
Comment: In summary, the available evidence is currently insufficient to determine the role of this variant in disease. Therefore, it has been classified as a Variant of Uncertain Significance. Algorithms developed to predict the effect of missense changes on protein structure and function do not agree on the potential impact of this missense change (SIFT: "Deleterious"; PolyPhen-2: "Probably Damaging"; Align-GVGD: "Class C0"). This variant has not been reported in the literature in individuals with NF1-related disease. This variant is not present in population databases (ExAC no frequency). This sequence change replaces cysteine with arginine at codon 2195 of the NF1 protein (p.Cys2195Arg). The cysteine residue is moderately conserved and there is a large physicochemical difference between cysteine and arginine.

NM_001042492.3(NF1):c.6646T>C (p.Cys2216Arg)

Gene: NF1 (neurofibromin 1; plus strand). Cytogenetic location: 17q11.2.
Variant type: single nucleotide variant.
Coding change: c.6646T>C on transcript NM_001042492.3 (MANE Select); coding-DNA position 6646, T replaced by C.
Protein change: p.Cys2216Arg; replaces cysteine 2216 with arginine.
Molecular consequence: missense variant.
Genome position (GRCh38, 1-based): chr17:31,337,822, T>C. VCF-style: chr17-31337822-T-C. GRCh37 (hg19) VCF-style: chr17-29664840-T-C.
Other names: c.6583T>C, p.Cys2195Arg (NM_000267.4); short protein forms C2195R, C2216R.
Identifiers: ClinVar variation 527491 (VCV000527491.8), dbSNP rs757736155, ClinGen allele CA399013669.